The following is an entry in ClinVar:

ClinVar aggregate classification (germline): Uncertain significance (1 of 4 stars; one submission).

Allele frequency attached by ClinVar (database versions not stated): ExAC 0.00001; gnomAD 0.00001; gnomAD exomes 0.00001.
gnomAD v4.1: 4 of 1,607,238 alleles (0.00025%); highest among the groups gnomAD compares: Admixed American, 0.0067%; no homozygotes.

Submission:

Labcorp Genetics (formerly Invitae), Labcorp
Classification: Uncertain significance. Last evaluated: 2023-10-05. Review status: criteria provided, single submitter. Criteria: Invitae Variant Classification Sherloc (09022015). Collection method: clinical testing. Allele origin: germline.
Comment: This sequence change falls in intron 24 of the VAV1 gene. It does not directly change the encoded amino acid sequence of the VAV1 protein. This variant is not present in population databases (gnomAD no frequency). This variant has not been reported in the literature in individuals affected with VAV1-related conditions. Algorithms developed to predict the effect of sequence changes on RNA splicing suggest that this variant may disrupt the consensus splice site. In summary, the available evidence is currently insufficient to determine the role of this variant in disease. Therefore, it has been classified as a Variant of Uncertain Significance.

NM_005428.4(VAV1):c.2218-5T>A

Gene: VAV1 (vav guanine nucleotide exchange factor 1; plus strand). Cytogenetic location: 19p13.3.
Variant type: single nucleotide variant.
Coding change: c.2218-5T>A on transcript NM_005428.4 (MANE Select); 5 bases into the intron before coding-DNA position 2218, T replaced by A.
Molecular consequence: intron variant.
Genome position (GRCh38, 1-based): chr19:6,852,960, T>A. VCF-style: chr19-6852960-T-A. GRCh37 (hg19) VCF-style: chr19-6852971-T-A.
Other names: c.2152-5T>A (NM_001258206.2); c.2122-5T>A (NM_001258207.2).
Identifiers: ClinVar variation 2996029 (VCV002996029.3), dbSNP rs772823641, ClinGen allele CA9132921.